The following is an entry in ClinVar:

ClinVar aggregate classification (germline): Likely benign. Review status: criteria provided, multiple submitters, no conflicts (2 of 4 stars). 2 submissions from 2 submitters: Likely benign (2). Last evaluated 2017-04-27.

Conditions:
Congenital adrenal hyperplasia due to cytochrome P450 oxidoreductase deficiency. Also called: DISORDERED STEROIDOGENESIS DUE TO POR DEFICIENCY. Identifiers: Orphanet 95699, MedGen C1860042, MONDO:0013310, OMIM 613571.

Allele frequency attached by ClinVar (database versions not stated): gnomAD exomes 0.00583; gnomAD 0.00808 and 0.00844; 1000 Genomes Project 30x 0.01202; TOPMed 0.01213; 1000 Genomes Project 0.01298.
gnomAD v4.1: 4,119 of 641,846 alleles (0.64%); highest among the groups gnomAD compares: Admixed American, 6.5%; 120 homozygotes.

Submissions (2):

Illumina Laboratory Services, Illumina
Classification: Likely benign for Congenital adrenal hyperplasia due to cytochrome P450 oxidoreductase deficiency. Last evaluated: 2017-04-27. Review status: criteria provided, single submitter. Criteria: ICSL Variant Classification Criteria 13 December 2019. Collection method: clinical testing. Allele origin: germline.
Comment: This variant was observed as part of a predisposition screen in an ostensibly healthy population. A literature search was performed for the gene, cDNA change, and amino acid change (where applicable). Publications were found based on this search. The evidence from the literature, in combination with allele frequency data from public databases where available, was sufficient to determine this variant is unlikely to cause disease. Therefore, this variant is classified as likely benign.

Breakthrough Genomics
Classification: Likely benign. Review status: criteria provided, single submitter. Criteria: ACMG Guidelines, 2015. Collection method: not provided. Allele origin: germline. Inheritance: Autosomal recessive inheritance. Affected: yes.

Literature cited by the submitters: PubMed 17827787 (cited by Illumina Laboratory Services, Illumina); PubMed 21084761 (cited by Illumina Laboratory Services, Illumina).

NM_001395413.1(POR):c.*207C>G

Gene: POR (cytochrome p450 oxidoreductase; plus strand). Cytogenetic location: 7q11.23.
Variant type: single nucleotide variant.
Coding change: c.*207C>G on transcript NM_001395413.1 (MANE Select); 207 bases downstream of the stop codon, C replaced by G.
Molecular consequence: 3 prime UTR variant.
Genome position (GRCh38, 1-based): chr7:75,986,688, C>G. VCF-style: chr7-75986688-C-G. GRCh37 (hg19) VCF-style: chr7-75616006-C-G.
Other names: c.*207C>G (NM_001367562.3, NM_001382655.3, NM_001382657.2 and 3 more transcripts).
Identifiers: ClinVar variation 909599 (VCV000909599.6), dbSNP rs41302348, ClinGen allele CA160910654.
Genomic context (GRCh38, chr7:75,986,688, plus strand): 5'-CTCCTCAGCCCCCAGGCCAGGTGAGGTCCACCGGCCCCTGGCAGCACAGCCCAGGGCCTG[C>G]ATGGGGGCACCGGGCTCCATGCCTCTGGAGGCCTCTGGCCCTCGGTGGCTGCACAGAAGG-3'